The following is an entry in ClinVar:

NM_000257.4(MYH7):c.3619A>C (p.Ile1207Leu)

Gene: MYH7 (myosin heavy chain 7; minus strand). Cytogenetic location: 14q11.2.
Variant type: single nucleotide variant.
Coding change: c.3619A>C on transcript NM_000257.4 (MANE Select); coding-DNA position 3619, A replaced by C.
Protein change: p.Ile1207Leu; replaces isoleucine 1207 with leucine.
Molecular consequence: missense variant.
Genome position (GRCh38, 1-based): chr14:23,419,952, T>G on the plus strand (A>C on the coding strand, the complement: MYH7 is on the minus strand). VCF-style: chr14-23419952-T-G. GRCh37 (hg19) VCF-style: chr14-23889161-T-G.
Other names: c.3619A>C, p.Ile1207Leu (NM_001407004.1); short protein forms I1207L.
Identifiers: ClinVar variation 4757406 (VCV004757406.1).
Genomic context (GRCh38, chr14:23,419,952, plus strand): 5'-CCAGCTTGAACTCGCTCTTCTCCTTCTCCAGCTTCTGCTTCACCCGCTGCAGGTTGTCGA[T>G]CTGCTCGCCCAGCTCGGCCACGCTGTCGGCGTGCTTCTTGCGCAGGGCCGCGGCAGTGGC-3'
Protein context (NP_000248.2, residues 1197-1217): ADSVAELGEQ[Ile1207Leu]DNLQRVKQKL

ClinVar aggregate classification (germline): Uncertain significance (1 of 4 stars; one submission).

Conditions:
Cardiomyopathy (CMYO). Also called: Cardiomyopathies. Identifiers: Orphanet 167848, MedGen C0878544, MONDO:0004994, HP:0001638. Inheritance: Various modes of inheritance.

Submission:

Color Diagnostics, LLC DBA Color Health
Classification: Uncertain significance for Cardiomyopathy. Last evaluated: 2025-07-07. Review status: criteria provided, single submitter. Criteria: ACMG Guidelines, 2015. Collection method: clinical testing. Allele origin: germline.
Comment: This missense variant replaces isoleucine with leucine at codon 1207 of the MYH7 protein. Computational prediction suggests that this variant may not impact protein structure and function. To our knowledge, functional studies have not been reported for this variant. This variant has not been reported in individuals affected with MYH7-related disorders in the literature. This variant has not been identified in the general population by the Genome Aggregation Database (gnomAD). The available evidence is insufficient to determine the role of this variant in disease conclusively. Therefore, this variant is classified as a Variant of Uncertain Significance.